The following is an entry in ClinVar:

NM_001367873.1(SOX6):c.1433_1434del (p.Ser477_Leu478insTer)

Gene: SOX6 (SRY-box transcription factor 6; minus strand). Cytogenetic location: 11p15.2.
Variant type: Deletion.
Coding change: c.1433_1434del on transcript NM_001367873.1 (MANE Select); coding-DNA positions 1433 to 1434, 2 bases deleted (TA; older notation c.1433_1434delTA).
Protein change: p.Ser477_Leu478insTer.
Molecular consequence: nonsense. On other transcripts: frameshift variant (2).
Genome position (GRCh38, 1-based): chr11:16,049,756-16,049,757, TA deleted on the plus strand (TA on the coding strand, the reverse complement: SOX6 is on the minus strand). VCF-style (leftmost placement, unchanged base first): chr11-16049755-CTA-C. GRCh37 (hg19) VCF-style: chr11-16071301-CTA-C.
Other names: c.1310_1311del, p.Leu437fs (NM_001145811.2, NM_017508.3); c.1433_1434del, p.Ser477_Leu478insTer (NM_001145819.2, NM_033326.3); c.1310_1311del, p.Ser436_Leu437insTer (NM_001367872.1); short protein forms L437fs.
Identifiers: ClinVar variation 1331628 (VCV001331628.4), dbSNP rs2133913091, ClinGen allele CA2573053456.
Genomic context (GRCh38, chr11:16,049,755, plus strand): 5'-AGGTTTGCTTTCTTTTACCTAATTCGTAAGTCTCTTCCTGGTGTTGACTTTTCCATTTAC[CTA>C]AAGAGGATCCTCTTCCCAGGCTTCCTCCAATGGGGCTAGGGATGCTGCTTTTGTTTGGCA-3'

ClinVar aggregate classification (germline): Pathogenic (1 of 4 stars; one submission).

Submission:

Greenwood Genetic Center Diagnostic Laboratories, Greenwood Genetic Center
Classification: Pathogenic. Last evaluated: 2021-03-24. Review status: criteria provided, single submitter. Criteria: ACMG Guidelines, 2015. Collection method: clinical testing. Allele origin: germline. Affected: yes.
Comment: PVS1, PM2, PM6